The following is an entry in ClinVar:

NM_001113491.2(SEPTIN9):c.579C>G (p.Pro193=)

Gene: SEPTIN9 (septin 9; plus strand). Cytogenetic location: 17q25.3.
Variant type: single nucleotide variant.
Coding change: c.579C>G on transcript NM_001113491.2 (MANE Select); coding-DNA position 579, C replaced by G.
Protein change: p.Pro193=; no amino-acid change (proline 193 retained).
Molecular consequence: synonymous variant.
Genome position (GRCh38, 1-based): chr17:77,402,561, C>G. VCF-style: chr17-77402561-C-G. GRCh37 (hg19) VCF-style: chr17-75398643-C-G.
Other names: p.Pro175=; c.87C>G, p.Pro29= (NM_001113492.2, NM_001113494.1); c.558C>G, p.Pro186= (NM_001113493.2); c.522C>G, p.Pro174= (NM_001293695.2); c.525C>G, p.Pro175= (NM_006640.5).
Identifiers: ClinVar variation 719224 (VCV000719224.13), dbSNP rs775300302, ClinGen allele CA8793245.

ClinVar aggregate classification (germline): Benign/Likely benign. Review status: criteria provided, multiple submitters, no conflicts (2 of 4 stars). 4 submissions from 4 submitters: Benign (2); Likely benign (2). Last evaluated 2025-07-15.

Conditions:
Amyotrophic neuralgia (HNA). Also called: Hereditary Brachial Plexus Neuropathy; Neuritis with Brachial Predilection; AMYOTROPHY, HEREDITARY NEURALGIC, WITH PREDILECTION FOR BRACHIAL PLEXUS; AMYOTROPHY, HEREDITARY NEURALGIC. Identifiers: Orphanet 2901, MedGen C1834304, MONDO:0008076, OMIM 162100.

Allele frequency attached by ClinVar (database versions not stated): gnomAD 0.00001; TOPMed 0.00001; ExAC 0.00003.
gnomAD v4.1: 67 of 1,610,364 alleles (0.0042%); highest among the groups gnomAD compares: Non-Finnish European, 0.0052%; no homozygotes.

Submissions (4):

Mayo Clinic Laboratories, Mayo Clinic
Classification: Likely benign. Last evaluated: 2025-07-15. Review status: criteria provided, single submitter. Criteria: ACMG Guidelines, 2015. Collection method: clinical testing. Allele origin: germline. Observed: 1 variant allele.
Comment: BP4, BP7

Labcorp Genetics (formerly Invitae), Labcorp
Classification: Likely benign. Last evaluated: 2025-02-07. Review status: criteria provided, single submitter. Criteria: Invitae Variant Classification Sherloc (09022015). Collection method: clinical testing. Allele origin: germline.

Genome-Nilou Lab
Classification: Benign for Amyotrophic neuralgia. Last evaluated: 2021-12-05. Review status: criteria provided, single submitter. Criteria: ACMG Guidelines, 2015. Collection method: clinical testing. Allele origin: germline. Affected: no.

Illumina Laboratory Services, Illumina
Classification: Benign for Amyotrophy, hereditary neuralgic. Last evaluated: 2018-01-13. Review status: criteria provided, single submitter. Criteria: ICSL Variant Classification Criteria 13 December 2019. Collection method: clinical testing. Allele origin: germline.
Comment: This variant was observed in the ICSL laboratory as part of a predisposition screen in an ostensibly healthy population. It had not been previously curated by ICSL or reported in the Human Gene Mutation Database (HGMD: prior to June 1st, 2018), and was therefore a candidate for classification through an automated scoring system. Utilizing variant allele frequency, disease prevalence and penetrance estimates, and inheritance mode, an automated score was calculated to assess if this variant is too frequent to cause the disease. Based on the score and internal cut-off values, a variant classified as benign is not then subjected to further curation. The score for this variant resulted in a classification of benign for this disease.